The following is an entry in ClinVar:

NM_005632.3(CAPN15):c.735G>A (p.Pro245=)

Gene: CAPN15 (calpain 15; plus strand). Cytogenetic location: 16p13.3.
Variant type: single nucleotide variant.
Coding change: c.735G>A on transcript NM_005632.3 (MANE Select); coding-DNA position 735, G replaced by A.
Protein change: p.Pro245=; no amino-acid change (proline 245 retained).
Molecular consequence: synonymous variant.
Genome position (GRCh38, 1-based): chr16:547,573, G>A. VCF-style: chr16-547573-G-A. GRCh37 (hg19) VCF-style: chr16-597573-G-A.
Identifiers: ClinVar variation 4873751 (VCV004873751.2).
Genomic context (GRCh38, chr16:547,573, plus strand): 5'-GCCGCCCAGGGTCCCGCCCTTCAGCCCCTTCTCGTCCACCCTGCAGAACAACCCCGTGCC[G>A]CGCAGCCGACGCGAGGTTCCCCCCCAGCTGCAGCCACCGGTGCCTGAGGCTGCCCAGCCG-3'
Protein context (NP_005623.1, residues 235-255): FSSTLQNNPV[Pro245=]RSRREVPPQL

ClinVar aggregate classification (germline): Likely benign (1 of 4 stars; one submission).

gnomAD v4.1: 44 of 1,585,204 alleles (0.0028%); highest among the groups gnomAD compares: Admixed American, 0.01%; no homozygotes.

Submission:

CeGaT Center for Human Genetics Tuebingen
Classification: Likely benign. Last evaluated: 2026-05-01. Review status: criteria provided, single submitter. Criteria: CeGaT Center For Human Genetics Tuebingen Variant Classification Criteria Version 2. Collection method: clinical testing. Allele origin: germline. Affected: yes. Observed: 1 variant allele.
Comment: CAPN15: BP4, BP7